The following is an entry in ClinVar:

NM_001025295.3(IFITM5):c.104A>G (p.Asp35Gly)

Gene: IFITM5 (interferon induced transmembrane protein 5; minus strand). Cytogenetic location: 11p15.5.
Variant type: single nucleotide variant.
Coding change: c.104A>G on transcript NM_001025295.3 (MANE Select); coding-DNA position 104, A replaced by G.
Protein change: p.Asp35Gly; replaces aspartic acid 35 with glycine.
Molecular consequence: missense variant.
Genome position (GRCh38, 1-based): chr11:299,387, T>C on the plus strand (A>G on the coding strand, the complement: IFITM5 is on the minus strand). VCF-style: chr11-299387-T-C. GRCh37 (hg19) VCF-style: chr11-299387-T-C.
Other names: short protein forms D35G.
Identifiers: ClinVar variation 4759844 (VCV004759844.1).

ClinVar aggregate classification (germline): Uncertain significance (1 of 4 stars; one submission).

Submission:

Labcorp Genetics (formerly Invitae), Labcorp
Classification: Uncertain significance. Last evaluated: 2025-09-29. Review status: criteria provided, single submitter. Criteria: Invitae Variant Classification Sherloc (09022015). Collection method: clinical testing. Allele origin: germline.
Comment: This sequence change replaces aspartic acid, which is acidic and polar, with glycine, which is neutral and non-polar, at codon 35 of the IFITM5 protein (p.Asp35Gly). This variant is not present in population databases (gnomAD no frequency). This variant has not been reported in the literature in individuals affected with IFITM5-related conditions. An algorithm developed to predict the effect of missense changes on protein structure and function (PolyPhen-2) suggests that this variant is likely to be disruptive. In summary, the available evidence is currently insufficient to determine the role of this variant in disease. Therefore, it has been classified as a Variant of Uncertain Significance.